The following is an entry in ClinVar:

NM_000237.3(LPL):c.446C>G (p.Pro149Arg)

Gene: LPL (lipoprotein lipase; plus strand). Cytogenetic location: 8p21.3.
Variant type: single nucleotide variant.
Coding change: c.446C>G on transcript NM_000237.3 (MANE Select); coding-DNA position 446, C replaced by G.
Protein change: p.Pro149Arg; replaces proline 149 with arginine.
Molecular consequence: missense variant.
Genome position (GRCh38, 1-based): chr8:19,953,326, C>G. VCF-style: chr8-19953326-C-G. GRCh37 (hg19) VCF-style: chr8-19810837-C-G.
Other names: short protein forms P149R.
Identifiers: ClinVar variation 5010068 (VCV005010068.1).

ClinVar aggregate classification (germline): Uncertain significance (1 of 4 stars; one submission).

gnomAD v4.1: 2 of 1,612,484 alleles (0.00012%); highest among the groups gnomAD compares: Non-Finnish European, 0.00017%; no homozygotes.

Submission:

GeneDx
Classification: Uncertain significance. Last evaluated: 2026-02-23. Review status: criteria provided, single submitter. Criteria: GeneDx Variant Classification Process June 2021. Collection method: clinical testing. Allele origin: germline.
Comment: Not observed at significant frequency in large population cohorts (gnomAD); In silico analysis supports that this missense variant has a deleterious effect on protein structure/function; Has not been previously published as pathogenic or benign to our knowledge